The following is an entry in ClinVar:

NM_000275.3(OCA2):c.1363A>G (p.Arg455Gly)

Gene: OCA2 (OCA2 melanosomal transmembrane protein; minus strand). Cytogenetic location: 15q13.1.
Variant type: single nucleotide variant.
Coding change: c.1363A>G on transcript NM_000275.3 (MANE Select); coding-DNA position 1363, A replaced by G.
Protein change: p.Arg455Gly; replaces arginine 455 with glycine.
Molecular consequence: missense variant.
Genome position (GRCh38, 1-based): chr15:27,985,065, T>C on the plus strand (A>G on the coding strand, the complement: OCA2 is on the minus strand). VCF-style: chr15-27985065-T-C. GRCh37 (hg19) VCF-style: chr15-28230211-T-C.
Other names: c.1291A>G, p.Arg431Gly (NM_001300984.2); short protein forms R455G, R431G.
Identifiers: ClinVar variation 631723 (VCV000631723.26), dbSNP rs200764804, ClinGen allele CA7439072.

ClinVar aggregate classification (germline): Conflicting classifications of pathogenicity. Review status: criteria provided, conflicting classifications (1 of 4 stars). 11 submissions from 11 submitters: Pathogenic (2); Likely pathogenic (7); Uncertain significance (2). Last evaluated 2026-01-19.

Conditions:
OCA2-related disorder. Also called: OCA2-related condition.
Tyrosinase-positive oculocutaneous albinism (OCA2). Also called: ALBINISM II; Albinism, oculocutaneous, type II; Oculocutaneous albinism type 2. Identifiers: Orphanet 79432, MedGen C0268495, MONDO:0008746, OMIM 203200.
SKIN/HAIR/EYE PIGMENTATION 1, BLUE/NONBLUE EYES (SHEP1). Also called: BROWN EYE COLOR 2; EYE COLOR 3; EYE COLOR, BLUE/NONBLUE; EYE COLOR, BROWN/BLUE; HAIR COLOR 3; SKIN/HAIR/EYE PIGMENTATION 1, BLOND/BROWN HAIR. Identifiers: MedGen C1856895, OMIM 227220.
Oculocutaneous albinism. Identifiers: Orphanet 55, MedGen C0078918, MONDO:0018910.

Allele frequency attached by ClinVar (database versions not stated): 1000 Genomes Project 0.00100; gnomAD exomes 0.00007 and 0.00026; gnomAD 0.00010 and 0.00013; TOPMed 0.00015; ExAC 0.00025; 1000 Genomes Project 30x 0.00078.
gnomAD v4.1: 135 of 1,613,806 alleles (0.0084%); highest among the groups gnomAD compares: East Asian, 0.24%; no homozygotes.

Submissions (11):

Labcorp Genetics (formerly Invitae), Labcorp
Classification: Pathogenic. Last evaluated: 2026-01-19. Review status: criteria provided, single submitter. Criteria: Invitae Variant Classification Sherloc (09022015). Collection method: clinical testing. Allele origin: germline.
Comment: This sequence change replaces arginine, which is basic and polar, with glycine, which is neutral and non-polar, at codon 455 of the OCA2 protein (p.Arg455Gly). This variant is present in population databases (rs200764804, gnomAD 0.3%). This missense change has been observed in individual(s) with ocular albinism (PMID: 19865097, 31196117, 33974259). In at least one individual the data is consistent with being in trans (on the opposite chromosome) from a pathogenic variant. ClinVar contains an entry for this variant (Variation ID: 631723). An algorithm developed to predict the effect of missense changes on protein structure and function (PolyPhen-2) suggests that this variant is likely to be disruptive. For these reasons, this variant has been classified as Pathogenic.

PreventionGenetics, part of Exact Sciences
Classification: Likely pathogenic for OCA2-related condition. Last evaluated: 2025-10-28. Review status: criteria provided, single submitter. Criteria: ACMG Guidelines, 2015. Collection method: clinical testing. Allele origin: germline.
Comment: The OCA2 c.1363A>G variant is predicted to result in the amino acid substitution p.Arg455Gly. This variant has been reported in the compound heterozygous state in multiple individuals with oculocutaneous albinism type II (Table S1, Wei et al. 2021. PubMed ID: 34838614; Additional file 1, Yang et al. 2019. PubMed ID: 31196117; Jiang et al. 2021. PubMed ID: 33974259). This variant is reported in 0.32% of alleles in individuals of East Asian descent in gnomAD. This variant is interpreted as likely pathogenic.

Genesolutions, Medical Genetics Institutes, Ho Chi Minh City, Vietnam
Classification: Likely pathogenic for Tyrosinase-positive oculocutaneous albinism. Last evaluated: 2025-09-24. Review status: criteria provided, single submitter. Criteria: ACMG Guidelines, 2015. Collection method: clinical testing. Allele origin: germline. Affected: yes.

Women's Health and Genetics/Laboratory Corporation of America, LabCorp
Classification: Pathogenic for Oculocutaneous albinism. Last evaluated: 2025-05-20. Review status: criteria provided, single submitter. Criteria: LabCorp Variant Classification Summary - May 2015. Collection method: clinical testing. Allele origin: germline.
Comment: Variant summary: OCA2 c.1363A>G (p.Arg455Gly) results in a non-conservative amino acid change located in the citrate transporter-like domain (IPR004680) of the encoded protein sequence. Algorithms developed to predict the effect of missense changes on protein structure and function all suggest that this variant is likely to be disruptive. Several computational tools predict a significant impact on normal splicing: Three predict the variant weakens a 5' donor site. Three predict the variant creates a 3 acceptor site. One predict the variant no significant impact on splicing. However, these predictions have yet to be confirmed by functional studies. The variant allele was found at a frequency of 0.00026 in 249888 control chromosomes, predominantly at a frequency of 0.0033 within the East Asian subpopulation in the gnomAD database. This frequency is not significantly higher than estimated for a pathogenic variant in OCA2 causing Oculocutaneous Albinism (0.00026 vs 0.0043), allowing no conclusion about variant significance. c.1363A>G has been reported in the literature in the heterozygous and compound heterozygous state in individuals of East Asian/Chinese ancestry affected with Oculocutaneous Albinism (e.g. Wei_2010, Yang_2019, Ma_2021, Wei_2022). These data indicate that the variant is very likely to be associated with disease. To our knowledge, no experimental evidence demonstrating an impact on protein function has been reported. The following publications have been ascertained in the context of this evaluation (PMID: 34707637, 19865097, 31196117, 34838614). ClinVar contains an entry for this variant (Variation ID: 631723). Based on the evidence outlined above, the variant was classified as pathogenic.

Blueprint Genetics
Classification: Likely pathogenic for OCA2-related disorders. Last evaluated: 2024-10-22. Review status: criteria provided, single submitter. Criteria: ACMG Guidelines, 2015. Collection method: clinical testing. Allele origin: germline. Affected: yes. Observed: 5 variant alleles.

Fulgent Genetics
Classification: Likely pathogenic for Tyrosinase-positive oculocutaneous albinism; SKIN/HAIR/EYE PIGMENTATION 1, BLUE/NONBLUE EYES. Last evaluated: 2024-06-11. Review status: criteria provided, single submitter. Criteria: ACMG Guidelines, 2015. Collection method: clinical testing. Allele origin: germline.

Baylor Genetics
Classification: Likely pathogenic for SKIN/HAIR/EYE PIGMENTATION 1, BLUE/NONBLUE EYES. Last evaluated: 2024-03-29. Review status: criteria provided, single submitter. Criteria: ACMG Guidelines, 2015. Collection method: clinical testing. Allele origin: unknown.

Department of Pathology and Laboratory Medicine, Sinai Health System
Classification: Uncertain significance for Tyrosinase-positive oculocutaneous albinism. Last evaluated: 2023-09-25. Review status: criteria provided, single submitter. Criteria: ACMG Guidelines, 2015. Collection method: research. Allele origin: germline.

Victorian Clinical Genetics Services, Murdoch Childrens Research Institute
Classification: Likely pathogenic for Tyrosinase-positive oculocutaneous albinism. Last evaluated: 2022-02-02. Review status: criteria provided, single submitter. Criteria: ACMG Guidelines, 2015. Collection method: clinical testing. Allele origin: germline. Inheritance: Autosomal recessive inheritance. Affected: yes.
Comment: Based on the classification scheme VCGS_Germline_v1.3.4, this variant is classified as Likely pathogenic. The following criteria are met: 0102 - Loss of function is a known mechanism of disease in this gene and is associated with brown oculocutaneous albinism (MIM#203200) and oculocutaneous albinism, type II (MIM#203200). (I) 0106 - This gene is associated with autosomal recessive disease. (I) 0115 - Variants in this gene are known to have variable expressivity (PMID: 24518832, OMIM). (I) 0200 - Variant is predicted to result in a missense amino acid change from arginine to glycine. (I) 0251 - This variant is heterozygous. (I) 0304 - Variant is present in gnomAD <0.01 for a recessive condition (v2; 69 heterozygotes, 0 homozygotes). (SP) 0309 - An alternative amino acid change at the same position has been observed in gnomAD (v2; 169 heterozygotes, 1 homozygote). (I) 0501 - Missense variant consistently predicted to be damaging by multiple in silico tools or highly conserved with a major amino acid change. (SP) 0600 - Variant is located in the annotated citrate transporter domain (PDB). (I) 0802 - This variant has moderate previous evidence of pathogenicity in unrelated individuals. This variant has previously been reported twice in ClinVar as a variant of unknown significance, however it has also been observed in at least 4 patients with oculocutaneous albinism. In particular, this variant has been observed in trans with p.(Val443Ile) in 1 individual clinically diagnosed with oculocutaneous albinism (PMID: 31196117, 19865097). (SP) 0905 - No published segregation evidence has been identified for this variant. (I) 1007 - No published functional evidence has been identified for this variant. (I) Legend: (SP) - Supporting pathogenic, (I) - Information, (SB) - Supporting benign

Genome-Nilou Lab
Classification: Uncertain significance for Tyrosinase-positive oculocutaneous albinism. Last evaluated: 2021-11-07. Review status: criteria provided, single submitter. Criteria: ACMG Guidelines, 2015. Collection method: clinical testing. Allele origin: germline. Affected: no.

Juno Genomics, Hangzhou Juno Genomics, Inc
Classification: Likely pathogenic for Tyrosinase-positive oculocutaneous albinism. Review status: criteria provided, single submitter. Criteria: ACMG Guidelines, 2015. Collection method: clinical testing. Allele origin: germline. Affected: yes.
Comment: Allele frequency is greater than expected for disorder.;For recessive disorders, detected in trans with a pathogenic variant.;Patient's phenotype or family history is highly specific for a disease with a single genetic etiology.;Multiple lines of computational evidence support a deleterious effect on the gene or gene product.

Literature cited by the submitters: PubMed 19865097 (cited by 3 submitters); PubMed 31196117 (cited by 3 submitters); PubMed 33974259 (cited by Labcorp Genetics (formerly Invitae), Labcorp and Victorian Clinical Genetics Services, Murdoch Childrens Research Institute); PubMed 34707637 (cited by Women's Health and Genetics/Laboratory Corporation of America, LabCorp); PubMed 34838614 (cited by Women's Health and Genetics/Laboratory Corporation of America, LabCorp); PubMed 24518832 (cited by Victorian Clinical Genetics Services, Murdoch Childrens Research Institute).